The following is an entry in ClinVar:

ClinVar aggregate classification (germline): Uncertain significance. Review status: criteria provided, multiple submitters, no conflicts (2 of 4 stars). 2 submissions from 2 submitters: Uncertain significance (2). Last evaluated 2026-03-27.

Conditions:
Cardiovascular phenotype. Identifiers: MedGen CN230736.
Ehlers-Danlos syndrome, classic type, 1 (EDSCL1). Also called: EDS I; EHLERS-DANLOS SYNDROME, GRAVIS TYPE; EHLERS-DANLOS SYNDROME, SEVERE CLASSIC TYPE; Ehlers-Danlos Syndrome, Classic Type, COL5A1-Related; Ehlers-Danlos syndrome, type 1. Identifiers: MedGen C0268335, MONDO:0019567, OMIM 130000.

Submissions (2):

Molecular Diagnostic Laboratory for Inherited Cardiovascular Disease, Montreal Heart Institute
Classification: Uncertain significance for Cardiovascular phenotype. Last evaluated: 2026-03-27. Review status: criteria provided, single submitter. Criteria: ACMG Guidelines, 2015. Collection method: clinical testing. Allele origin: germline. Affected: yes.
Comment: PM2, PP3

Labcorp Genetics (formerly Invitae), Labcorp
Classification: Uncertain significance for Ehlers-Danlos syndrome, classic type, 1. Last evaluated: 2018-07-16. Review status: criteria provided, single submitter. Criteria: Invitae Variant Classification Sherloc (09022015). Collection method: clinical testing. Allele origin: germline.
Comment: This variant is not present in population databases (ExAC no frequency). This sequence change replaces valine with glutamic acid at codon 1807 of the COL5A1 protein (p.Val1807Glu). The valine residue is highly conserved and there is a moderate physicochemical difference between valine and glutamic acid. This variant has not been reported in the literature in individuals with COL5A1-related disease. Algorithms developed to predict the effect of missense changes on protein structure and function are either unavailable or do not agree on the potential impact of this missense change (SIFT: "Deleterious"; PolyPhen-2: "Not Available"; Align-GVGD: "Class C0"). In summary, the available evidence is currently insufficient to determine the role of this variant in disease. Therefore, it has been classified as a Variant of Uncertain Significance.

NM_000093.5(COL5A1):c.5420T>A (p.Val1807Glu)

Genes: COL5A1 (collagen type V alpha 1 chain; plus strand), LOC101448202 (uncharacterized LOC101448202; minus strand). Cytogenetic location: 9q34.3.
Variant type: single nucleotide variant.
Coding change: c.5420T>A on transcript NM_000093.5 (MANE Select); coding-DNA position 5420, T replaced by A.
Protein change: p.Val1807Glu; replaces valine 1807 with glutamic acid.
Molecular consequence: missense variant.
Genome position (GRCh38, 1-based): chr9:134,842,206, T>A. VCF-style: chr9-134842206-T-A. GRCh37 (hg19) VCF-style: chr9-137734052-T-A.
Other names: c.5420T>A, p.Val1807Glu (NM_001278074.1); short protein forms V1807E.
Identifiers: ClinVar variation 644621 (VCV000644621.11), dbSNP rs1588621758, ClinGen allele CA375461855.
Genomic context (GRCh38, chr9:134,842,206, plus strand): 5'-CTCTTCCCCAGACCAAGAAAGGCTACCAGAAGACGGTTCTGGAGATCGACACCCCCAAAG[T>A]GGAGCAGGTGCCCATCGTGGACATCATGTTCAATGACTTCGGTGAAGCGTCACAGAAATT-3'
Protein context (NP_000084.3, residues 1797-1817): KTVLEIDTPK[Val1807Glu]EQVPIVDIMF